The following is an entry in ClinVar:

ClinVar aggregate classification (germline): Uncertain significance (1 of 4 stars; one submission).

Submission:

Labcorp Genetics (formerly Invitae), Labcorp
Classification: Uncertain significance. Last evaluated: 2021-03-15. Review status: criteria provided, single submitter. Criteria: Invitae Variant Classification Sherloc (09022015). Collection method: clinical testing. Allele origin: germline.
Comment: In summary, the available evidence is currently insufficient to determine the role of this variant in disease. Therefore, it has been classified as a Variant of Uncertain Significance. This sequence change replaces threonine with arginine at codon 1050 of the ADAMTS10 protein (p.Thr1050Arg). The threonine residue is weakly conserved and there is a moderate physicochemical difference between threonine and arginine. The frequency data for this variant in the population databases is considered unreliable, as metrics indicate insufficient coverage at this position in the ExAC database. This variant has not been reported in the literature in individuals with ADAMTS10-related conditions. Algorithms developed to predict the effect of missense changes on protein structure and function (SIFT, PolyPhen-2, Align-GVGD) all suggest that this variant is likely to be tolerated, but these predictions have not been confirmed by published functional studies and their clinical significance is uncertain. Algorithms developed to predict the effect of sequence changes on RNA splicing suggest that this variant may create or strengthen a splice site, but this prediction has not been confirmed by published transcriptional studies.

NM_030957.4(ADAMTS10):c.3149C>G (p.Thr1050Arg)

Gene: ADAMTS10 (ADAM metallopeptidase with thrombospondin type 1 motif 10; minus strand). Cytogenetic location: 19p13.2.
Variant type: single nucleotide variant.
Coding change: c.3149C>G on transcript NM_030957.4 (MANE Select); coding-DNA position 3149, C replaced by G.
Protein change: p.Thr1050Arg; replaces threonine 1050 with arginine.
Molecular consequence: missense variant.
Genome position (GRCh38, 1-based): chr19:8,584,948, G>C on the plus strand (C>G on the coding strand, the complement: ADAMTS10 is on the minus strand). VCF-style: chr19-8584948-G-C. GRCh37 (hg19) VCF-style: chr19-8649832-G-C.
Other names: c.1610C>G, p.Thr537Arg (NM_001282352.2); short protein forms T1050R, T537R.
Identifiers: ClinVar variation 1379013 (VCV001379013.7), dbSNP rs916677846, ClinGen allele CA403748166.